The following is an entry in ClinVar:

ClinVar aggregate classification (germline): Uncertain significance (1 of 4 stars; one submission).

Submission:

Labcorp Genetics (formerly Invitae), Labcorp
Classification: Uncertain significance. Last evaluated: 2022-01-27. Review status: criteria provided, single submitter. Criteria: Invitae Variant Classification Sherloc (09022015). Collection method: clinical testing. Allele origin: germline.
Comment: In summary, the available evidence is currently insufficient to determine the role of this variant in disease. Therefore, it has been classified as a Variant of Uncertain Significance. Algorithms developed to predict the effect of missense changes on protein structure and function are either unavailable or do not agree on the potential impact of this missense change (SIFT: "Deleterious"; PolyPhen-2: "Probably Damaging"; Align-GVGD: "Class C0"). This variant has not been reported in the literature in individuals affected with DMXL2-related conditions. This variant is not present in population databases (gnomAD no frequency). This sequence change replaces arginine, which is basic and polar, with glycine, which is neutral and non-polar, at codon 2614 of the DMXL2 protein (p.Arg2614Gly).

NM_001378457.1(DMXL2):c.7840C>G (p.Arg2614Gly)

Gene: DMXL2 (Dmx like 2; minus strand). Cytogenetic location: 15q21.2.
Variant type: single nucleotide variant.
Coding change: c.7840C>G on transcript NM_001378457.1 (MANE Select); coding-DNA position 7840, C replaced by G.
Protein change: p.Arg2614Gly; replaces arginine 2614 with glycine.
Molecular consequence: missense variant. On other transcripts: non-coding transcript variant (1).
Genome position (GRCh38, 1-based): chr15:51,463,465, G>C on the plus strand (C>G on the coding strand, the complement: DMXL2 is on the minus strand). VCF-style: chr15-51463465-G-C. GRCh37 (hg19) VCF-style: chr15-51755662-G-C.
Other names: c.7840C>G, p.Arg2614Gly (NM_001174116.3, NM_001378461.1); c.5929C>G, p.Arg1977Gly (NM_001174117.3); c.7837C>G, p.Arg2613Gly (NM_001378458.1, NM_001378462.1, NM_015263.5); c.7552C>G, p.Arg2518Gly (NM_001378459.1); c.5818C>G, p.Arg1940Gly (NM_001378460.1); c.7638C>G, p.Asn2546Lys (NM_001378463.1); c.7597C>G, p.Arg2533Gly (NM_001378464.1); short protein forms R2613G, R2533G, N2546K, R1940G, R1977G, R2518G, R2614G.
Identifiers: ClinVar variation 1396983 (VCV001396983.6), dbSNP rs2140261684, ClinGen allele CA392438333.